The following is an entry in ClinVar:

NM_002291.3(LAMB1):c.3670G>A (p.Glu1224Lys)

Gene: LAMB1 (laminin subunit beta 1; minus strand). Cytogenetic location: 7q31.1.
Variant type: single nucleotide variant.
Coding change: c.3670G>A on transcript NM_002291.3 (MANE Select); coding-DNA position 3670, G replaced by A.
Protein change: p.Glu1224Lys; replaces glutamic acid 1224 with lysine.
Molecular consequence: missense variant.
Genome position (GRCh38, 1-based): chr7:107,940,080, C>T on the plus strand (G>A on the coding strand, the complement: LAMB1 is on the minus strand). VCF-style: chr7-107940080-C-T. GRCh37 (hg19) VCF-style: chr7-107580525-C-T.
Other names: short protein forms E1224K.
Identifiers: ClinVar variation 1946782 (VCV001946782.5), dbSNP rs2032943181, ClinGen allele CA368858069.

ClinVar aggregate classification (germline): Uncertain significance (1 of 4 stars; one submission).

Allele frequency attached by ClinVar (database versions not stated): gnomAD exomes 0.00001.
gnomAD v4.1: 5 of 1,614,162 alleles (0.00031%); highest among the groups gnomAD compares: East Asian, 0.0045%; no homozygotes.

Submission:

Labcorp Genetics (formerly Invitae), Labcorp
Classification: Uncertain significance. Last evaluated: 2022-04-07. Review status: criteria provided, single submitter. Criteria: Invitae Variant Classification Sherloc (09022015). Collection method: clinical testing. Allele origin: germline.
Comment: In summary, the available evidence is currently insufficient to determine the role of this variant in disease. Therefore, it has been classified as a Variant of Uncertain Significance. Algorithms developed to predict the effect of missense changes on protein structure and function (SIFT, PolyPhen-2, Align-GVGD) all suggest that this variant is likely to be disruptive. This variant has not been reported in the literature in individuals affected with LAMB1-related conditions. This variant is not present in population databases (gnomAD no frequency). This sequence change replaces glutamic acid, which is acidic and polar, with lysine, which is basic and polar, at codon 1224 of the LAMB1 protein (p.Glu1224Lys).